The following is an entry in ClinVar:

NM_003172.4(SURF1):c.1_9dup (p.Met1_Ala3dup)

Gene: SURF1 (SURF1 cytochrome c oxidase assembly factor; minus strand). Cytogenetic location: 9q34.2.
Variant type: Duplication.
Coding change: c.1_9dup on transcript NM_003172.4 (MANE Select); coding-DNA positions 1 to 9, 9 bases duplicated (ATGGCGGCG; older notation c.1_9dupATGGCGGCG).
Protein change: p.Met1_Ala3dup.
Molecular consequence: inframe insertion, initiator codon variant. On other transcripts: 5 prime UTR variant (1).
Genome position (GRCh38, 1-based): chr9:133,356,445-133,356,453, CGCCGCCAT duplicated on the plus strand (ATGGCGGCG on the coding strand, the reverse complement: SURF1 is on the minus strand); duplicating any 9 consecutive bases within chr9:133,356,445-133,356,456 gives the same sequence; the c. name uses the placement nearest the transcript's 3' end. VCF-style (leftmost placement, unchanged base first): chr9-133356444-C-CCGCCGCCAT. GRCh37 (hg19) VCF-style: chr9-136223320-C-CCGCCGCCAT.
Other names: c.-275_-267dup (NM_001280787.1).
Identifiers: ClinVar variation 1463424 (VCV001463424.4), dbSNP rs1477692276, ClinGen allele CA860712688.

ClinVar aggregate classification (germline): Uncertain significance (1 of 4 stars; one submission).

Conditions:
Leigh syndrome (NULS). Also called: Leigh Syndrome (mtDNA deletion); Leigh's necrotizing encephalopathy; Leigh's disease; LEIGH SYNDROME, NUCLEAR; Leigh's syndrome; Leigh Disease. Identifiers: Orphanet 506, MedGen C2931891, MONDO:0009723, OMIM 256000.

Submission:

Labcorp Genetics (formerly Invitae), Labcorp
Classification: Uncertain significance for Leigh syndrome. Last evaluated: 2023-10-13. Review status: criteria provided, single submitter. Criteria: Invitae Variant Classification Sherloc (09022015). Collection method: clinical testing. Allele origin: germline.
Comment: This variant, c.1_9dup, results in the insertion of 3 amino acid(s) of the SURF1 protein (p.Met1_Ala3dup), but otherwise preserves the integrity of the reading frame. This variant is not present in population databases (gnomAD no frequency). This variant has not been reported in the literature in individuals affected with SURF1-related conditions. ClinVar contains an entry for this variant (Variation ID: 1463424). In summary, the available evidence is currently insufficient to determine the role of this variant in disease. Therefore, it has been classified as a Variant of Uncertain Significance.